The following is an entry in ClinVar:

ClinVar aggregate classification (germline): Uncertain significance (1 of 4 stars; one submission).

Conditions:
Cardiovascular phenotype. Identifiers: MedGen CN230736.

Submission:

Ambry Genetics
Classification: Uncertain significance for Cardiovascular phenotype. Last evaluated: 2023-10-16. Review status: criteria provided, single submitter. Criteria: Ambry Variant Classification Scheme 2023. Collection method: clinical testing. Allele origin: germline.
Comment: The c.-1C>A variant is located in the 5' untranslated region (5&rsquo;UTR) of the SCN1B gene. This variant results from a C to A substitution 1 nucleotide upstream from the first translated codon. This nucleotide position is highly conserved in available vertebrate species. Since supporting evidence is limited at this time, the clinical significance of this alteration remains unclear.

NM_001037.5(SCN1B):c.-1C>A

Gene: SCN1B (sodium voltage-gated channel beta subunit 1; plus strand). Cytogenetic location: 19q13.11.
Variant type: single nucleotide variant.
Coding change: c.-1C>A on transcript NM_001037.5 (MANE Select); 1 bases upstream of the start codon, C replaced by A.
Molecular consequence: 5 prime UTR variant.
Genome position (GRCh38, 1-based): chr19:35,030,820, C>A. VCF-style: chr19-35030820-C-A. GRCh37 (hg19) VCF-style: chr19-35521724-C-A.
Other names: c.-1C>A (NM_199037.5).
Identifiers: ClinVar variation 3232420 (VCV003232420.1), dbSNP rs1057518527, ClinGen allele CA632754413.